The following is an entry in ClinVar:

NM_015634.4(KIFBP):c.1525_1530del (p.Leu509_Asn510del)

Gene: KIFBP (kinesin family binding protein; plus strand). Cytogenetic location: 10q22.1.
Variant type: Deletion.
Coding change: c.1525_1530del on transcript NM_015634.4 (MANE Select); coding-DNA positions 1525 to 1530, 6 bases deleted (CTTAAT; older notation c.1525_1530delCTTAAT).
Protein change: p.Leu509_Asn510del.
Molecular consequence: inframe deletion.
Genome position (GRCh38, 1-based): chr10:69,016,075-69,016,080, CTTAAT deleted; deleting any 6 consecutive bases within chr10:69,016,071-69,016,080 gives the same sequence; the c. name uses the placement nearest the transcript's 3' end. VCF-style (leftmost placement, unchanged base first): chr10-69016070-ATAATCT-A. GRCh37 (hg19) VCF-style: chr10-70775826-ATAATCT-A.
Identifiers: ClinVar variation 3341950 (VCV003341950.16).

ClinVar aggregate classification (germline): Uncertain significance (1 of 4 stars; one submission).

Submission:

CeGaT Center for Human Genetics Tuebingen
Classification: Uncertain significance. Last evaluated: 2025-11-01. Review status: criteria provided, single submitter. Criteria: CeGaT Center For Human Genetics Tuebingen Variant Classification Criteria Version 2. Collection method: clinical testing. Allele origin: germline. Affected: yes. Observed: 3 variant alleles.
Comment: KIFBP: PM2, PM3:Supporting, PP4